The following is an entry in ClinVar:

NM_004385.5(VCAN):c.6551A>G (p.Asp2184Gly)

Genes: VCAN (versican; plus strand), VCAN-AS1 (VCAN antisense RNA 1; minus strand). Cytogenetic location: 5q14.3.
Variant type: single nucleotide variant.
Coding change: c.6551A>G on transcript NM_004385.5 (MANE Select); coding-DNA position 6551, A replaced by G.
Protein change: p.Asp2184Gly; replaces aspartic acid 2184 with glycine.
Molecular consequence: missense variant. On other transcripts: intron variant (2).
Genome position (GRCh38, 1-based): chr5:83,539,554, A>G. VCF-style: chr5-83539554-A-G. GRCh37 (hg19) VCF-style: chr5-82835373-A-G.
Other names: c.3590A>G, p.Asp1197Gly (NM_001164097.2); c.4004-5983A>G (NM_001164098.2); c.1043-5983A>G (NM_001126336.3); short protein forms D2184G, D1197G.
Identifiers: ClinVar variation 2104484 (VCV002104484.4), dbSNP rs755839579, ClinGen allele CA3333492.
Genomic context (GRCh38, chr5:83,539,554, plus strand): 5'-ACAGTGATGATAAAGAAATGAAGGAGGAAGACACTTCTTTAGTTAACATGTCTACTCCAG[A>G]TCCAGATGCAAATGGCTTGGAATCTTACACAACTCTCCCTGAAGCTACTGAAAAGTCACA-3'
Protein context (NP_004376.2, residues 2174-2194): DTSLVNMSTP[Asp2184Gly]PDANGLESYT

ClinVar aggregate classification (germline): Uncertain significance (1 of 4 stars; one submission).

Allele frequency attached by ClinVar (database versions not stated): ExAC 0.00001.

Submission:

Labcorp Genetics (formerly Invitae), Labcorp
Classification: Uncertain significance. Last evaluated: 2022-04-13. Review status: criteria provided, single submitter. Criteria: Invitae Variant Classification Sherloc (09022015). Collection method: clinical testing. Allele origin: germline.
Comment: This sequence change replaces aspartic acid, which is acidic and polar, with glycine, which is neutral and non-polar, at codon 2184 of the VCAN protein (p.Asp2184Gly). This variant is present in population databases (rs755839579, gnomAD 0.006%). This variant has not been reported in the literature in individuals affected with VCAN-related conditions. Algorithms developed to predict the effect of missense changes on protein structure and function output the following: SIFT: "Tolerated"; PolyPhen-2: "Benign"; Align-GVGD: "Class C0". The glycine amino acid residue is found in multiple mammalian species, which suggests that this missense change does not adversely affect protein function. In summary, the available evidence is currently insufficient to determine the role of this variant in disease. Therefore, it has been classified as a Variant of Uncertain Significance.